The following is an entry in ClinVar:

NM_003000.3(SDHB):c.22_23del (p.Ser8fs)

Gene: SDHB (succinate dehydrogenase complex iron sulfur subunit B; minus strand). Cytogenetic location: 1p36.13.
Variant type: Microsatellite.
Coding change: c.22_23del on transcript NM_003000.3 (MANE Select); coding-DNA positions 22 to 23, 2 bases deleted (TC; older notation c.22_23delTC).
Protein change: p.Ser8fs; shifts the reading frame from serine 8.
Molecular consequence: frameshift variant.
Genome position (GRCh38, 1-based): chr1:17,053,997-17,053,998, GA deleted on the plus strand (TC on the coding strand, the reverse complement: SDHB is on the minus strand); deleting any 2 consecutive bases within chr1:17,053,997-17,054,001 gives the same sequence; the c. name uses the placement nearest the transcript's 3' end. VCF-style (leftmost placement, unchanged base first): chr1-17053996-GGA-G. GRCh37 (hg19) VCF-style: chr1-17380491-GGA-G.
Other names: c.22_23delTC (NM_003000.2); short protein forms S8fs.
Identifiers: ClinVar variation 412488 (VCV000412488.6), dbSNP rs1060503767, ClinGen allele CA16609954.

ClinVar aggregate classification (germline): Pathogenic. Review status: criteria provided, single submitter (1 of 4 stars). 2 submissions from 1 submitter: Pathogenic (2). Last evaluated 2017-02-14.

Conditions:
Pheochromocytoma/paraganglioma syndrome 4. Also called: PARAGANGLIOMA, FAMILIAL MALIGNANT; PARAGANGLIOMAS, HEREDITARY EXTRAADRENAL; PHEOCHROMOCYTOMA, FAMILIAL EXTRAADRENAL; Paragangliomas 4; CAROTID BODY TUMORS AND MULTIPLE EXTRAADRENAL PHEOCHROMOCYTOMAS; SDHB-Related Hereditary Paraganglioma-Pheochromocytoma Syndrome (Paragangliomas 4). Identifiers: Orphanet 29072, MedGen C1861848, MONDO:0007273, OMIM 115310.
Gastrointestinal stromal tumor. Also called: Gastrointestinal stroma tumor; Gastrointestinal stromal tumor, somatic. Identifiers: Orphanet 44890, MedGen C0238198, MeSH D046152, MONDO:0011719, OMIM 606764, HP:0100723.
Pheochromocytoma. Also called: MAX-Related Hereditary Paraganglioma-Pheochromocytoma Syndrome. Identifiers: Orphanet 29072, MedGen C0031511, MONDO:0008233, OMIM 171300, HP:0002666.

Submissions (2):

Labcorp Genetics (formerly Invitae), Labcorp
Classification: Pathogenic for Pheochromocytoma/paraganglioma syndrome 4. Last evaluated: 2017-02-14. Review status: criteria provided, single submitter. Criteria: Invitae Variant Classification Sherloc (09022015). Collection method: clinical testing. Allele origin: germline.
Comment: This sequence change deletes 2 nucleotides from exon 1 of the SDHB mRNA (c.22_23delTC), causing a frameshift at codon 8. This creates a premature translational stop signal (p.Ser8Leufs*54) and is expected to result in an absent or disrupted protein product. While this particular variant has not been reported in the literature, loss-of-function variants in SDHB are known to be pathogenic (PMID: 19802898, 19454582). For these reasons, this variant has been classified as Pathogenic.

Labcorp Genetics (formerly Invitae), Labcorp
Classification: Pathogenic for Gastrointestinal stromal tumor; Pheochromocytoma/paraganglioma syndrome 4; Pheochromocytoma. Last evaluated: 2017-02-07. Review status: criteria provided, single submitter. Criteria: Invitae Variant Classification Sherloc (09022015). Collection method: clinical testing. Allele origin: germline.
Comment: the same text as in the submission from Labcorp Genetics (formerly Invitae), Labcorp above.

Literature cited by the submitters: PubMed 19802898; PubMed 19454582.